The following is an entry in ClinVar:

NM_005228.5(EGFR):c.2544G>T (p.Pro848=)

Gene: EGFR (epidermal growth factor receptor; plus strand). Cytogenetic location: 7p11.2.
Variant type: single nucleotide variant.
Coding change: c.2544G>T on transcript NM_005228.5 (MANE Select); coding-DNA position 2544, G replaced by T.
Protein change: p.Pro848=; no amino-acid change (proline 848 retained).
Molecular consequence: synonymous variant.
Genome position (GRCh38, 1-based): chr7:55,191,793, G>T. VCF-style: chr7-55191793-G-T. GRCh37 (hg19) VCF-style: chr7-55259486-G-T.
Other names: c.2544G>T (NM_005228.4); c.2409G>T, p.Pro803= (NM_001346897.2, NM_001346899.2); c.2544G>T, p.Pro848= (NM_001346898.2); c.2385G>T, p.Pro795= (NM_001346900.2); c.1743G>T, p.Pro581= (NM_001346941.2).
Identifiers: ClinVar variation 1973066 (VCV001973066.8), dbSNP rs104886012, ClinGen allele CA158934221.

ClinVar aggregate classification (germline): Benign/Likely benign. Review status: criteria provided, multiple submitters, no conflicts (2 of 4 stars). 4 submissions from 4 submitters: Benign (1); Likely benign (3). Last evaluated 2026-05-20.

Conditions:
EGFR-related disorder. Also called: EGFR-related condition.
EGFR-related lung cancer (EGFR). Identifiers: MedGen CN130014.
Lung cancer. Also called: Lung cancer, somatic; Malignant tumor of lung. Identifiers: MedGen C0242379, MONDO:0008903, OMIM 211980.
Hereditary cancer-predisposing syndrome. Also called: Hereditary neoplastic syndrome; Hereditary Cancer Syndrome; Neoplastic Syndromes, Hereditary; Tumor predisposition. Identifiers: Orphanet 140162, MedGen C0027672, MeSH D009386, MONDO:0015356.

Allele frequency attached by ClinVar (database versions not stated): ESP Exome Variant Server 0.00008.
gnomAD v4.1: 3 of 1,613,954 alleles (0.00019%); highest among the groups gnomAD compares: African/African-American, 0.0027%; no homozygotes.

Submissions (4):

PreventionGenetics, part of Exact Sciences
Classification: Likely benign for EGFR-related condition. Last evaluated: 2026-05-20. Review status: criteria provided, single submitter. Criteria: ACMG Guidelines, 2015. Collection method: clinical testing. Allele origin: germline.
Comment: This variant is classified as likely benign based on ACMG/AMP sequence variant interpretation guidelines (Richards et al. 2015 PMID: 25741868, with internal and published modifications).

Ambry Genetics
Classification: Likely benign for Hereditary cancer-predisposing syndrome. Last evaluated: 2025-12-23. Review status: criteria provided, single submitter. Criteria: Ambry Variant Classification Scheme 2023. Collection method: clinical testing. Allele origin: germline.

Labcorp Genetics (formerly Invitae), Labcorp
Classification: Likely benign for EGFR-related lung cancer. Last evaluated: 2025-08-11. Review status: criteria provided, single submitter. Criteria: Invitae Variant Classification Sherloc (09022015). Collection method: clinical testing. Allele origin: germline.

Myriad Genetics, Inc.
Classification: Benign for Lung cancer. Last evaluated: 2024-10-17. Review status: criteria provided, single submitter. Criteria: Myriad Autosomal Dominant, Autosomal Recessive and X-Linked Classification Criteria (2023). Collection method: clinical testing. Allele origin: unknown.
Comment: This variant is considered benign. This variant is a silent/synonymous amino acid change and it is not expected to impact splicing.